The following is an entry in ClinVar:

NM_153676.4(USH1C):c.671G>A (p.Cys224Tyr)

Gene: USH1C (USH1 protein network component harmonin; minus strand). Cytogenetic location: 11p15.1.
Variant type: single nucleotide variant.
Coding change: c.671G>A on transcript NM_153676.4 (MANE Select); coding-DNA position 671, G replaced by A.
Protein change: p.Cys224Tyr; replaces cysteine 224 with tyrosine.
Molecular consequence: missense variant. On other transcripts: non-coding transcript variant (1).
Genome position (GRCh38, 1-based): chr11:17,526,350, C>T on the plus strand (G>A on the coding strand, the complement: USH1C is on the minus strand). VCF-style: chr11-17526350-C-T. GRCh37 (hg19) VCF-style: chr11-17547897-C-T.
Other names: c.671G>A, p.Cys224Tyr (NM_001297764.2, NM_005709.4); short protein forms C224Y.
Identifiers: ClinVar variation 1705618 (VCV001705618.1), dbSNP rs1264680503, ClinGen allele CA379793144.
Genomic context (GRCh38, chr11:17,526,350, plus strand): 5'-AGGGGCCTGCTGGGGTGCACTGGCCACGAATGACCCCAGGGCATGCCTGCCACCCACCTG[C>T]AGCCAAGGCCTCGGGAGCCTACCAGGCTGATGAAGACCTTCTTCTCCTTGTTTTCCCGAT-3'
Protein context (NP_710142.1, residues 214-234): ISLVGSRGLG[Cys224Tyr]SISSGPIQKP

ClinVar aggregate classification (germline): Uncertain significance (1 of 4 stars; one submission).

Conditions:
Autosomal recessive nonsyndromic hearing loss 18A. Also called: Deafness, autosomal recessive 18A; DEAFNESS, AUTOSOMAL RECESSIVE 18. Identifiers: Orphanet 90636, MedGen C1865870, MONDO:0011192, OMIM 602092.

Submission:

3billion
Classification: Uncertain significance for Autosomal recessive nonsyndromic hearing loss 18A. Last evaluated: 2022-09-01. Review status: criteria provided, single submitter. Criteria: ACMG Guidelines, 2015. Collection method: clinical testing. Allele origin: germline. Affected: yes. Observed: 1 heterozygote.
Comment: The variant is not observed in the gnomAD v2.1.1 dataset. While this variant results in missense change, protein truncation variants are a common disease-causing mechanism. Therefore, this variant is classified as uncertain significance according to the recommendation of ACMG/AMP guideline.